The following is an entry in ClinVar:

NM_004629.2(FANCG):c.1811A>T (p.Asp604Val)

Gene: FANCG (FA complementation group G; minus strand). Cytogenetic location: 9p13.3.
Variant type: single nucleotide variant.
Coding change: c.1811A>T on transcript NM_004629.2 (MANE Select); coding-DNA position 1811, A replaced by T.
Protein change: p.Asp604Val; replaces aspartic acid 604 with valine.
Molecular consequence: missense variant.
Genome position (GRCh38, 1-based): chr9:35,074,166, T>A on the plus strand (A>T on the coding strand, the complement: FANCG is on the minus strand). VCF-style: chr9-35074166-T-A. GRCh37 (hg19) VCF-style: chr9-35074163-T-A.
Other names: short protein forms D604V.
Identifiers: ClinVar variation 3512839 (VCV003512839.2).

ClinVar aggregate classification (germline): Uncertain significance. Review status: criteria provided, multiple submitters, no conflicts (2 of 4 stars). 2 submissions from 2 submitters: Uncertain significance (2). Last evaluated 2024-11-24.

Conditions:
Fanconi anemia complementation group G. Also called: Fanconi anemia group G; FANCG-Related Fanconi Anemia. Identifiers: Orphanet 84, MedGen C3469527, MONDO:0013565, OMIM 614082.
Inborn genetic diseases. Identifiers: MedGen C0950123, MeSH D030342.

Submissions (2):

Ambry Genetics
Classification: Uncertain significance for Inborn genetic diseases. Last evaluated: 2024-11-24. Review status: criteria provided, single submitter. Criteria: Ambry Variant Classification Scheme 2023. Collection method: clinical testing. Allele origin: germline.
Comment: The p.D604V variant (also known as c.1811A>T), located in coding exon 14 of the FANCG gene, results from an A to T substitution at nucleotide position 1811. The aspartic acid at codon 604 is replaced by valine, an amino acid with highly dissimilar properties. This amino acid position is conserved. In addition, this alteration is predicted to be tolerated by in silico analysis. Based on the available evidence, the clinical significance of this variant remains unclear.

Fulgent Genetics
Classification: Uncertain significance for Fanconi anemia complementation group G. Last evaluated: 2024-04-22. Review status: criteria provided, single submitter. Criteria: ACMG Guidelines, 2015. Collection method: clinical testing. Allele origin: germline.